The following is an entry in ClinVar:

ClinVar aggregate classification (germline): Uncertain significance. Review status: criteria provided, multiple submitters, no conflicts (2 of 4 stars). 2 submissions from 2 submitters: Uncertain significance (2). Last evaluated 2025-03-05.

gnomAD v4.1: 1 of 1,614,192 alleles (0.000062%); highest among the groups gnomAD compares: Non-Finnish European, 0.000085%; no homozygotes.

Submissions (2):

Women's Health and Genetics/Laboratory Corporation of America, LabCorp
Classification: Uncertain significance. Last evaluated: 2025-03-05. Review status: criteria provided, single submitter. Criteria: LabCorp Variant Classification Summary - May 2015. Collection method: clinical testing. Allele origin: germline.
Comment: Variant summary: ALPL c.984C>G (p.Phe328Leu) results in a non-conservative amino acid change in the encoded protein sequence. Four of five in-silico tools predict a damaging effect of the variant on protein function. The variant was absent in 251172 control chromosomes (gnomAD). The available data on variant occurrences in the general population are insufficient to allow any conclusion about variant significance. c.984C>G has been reported in the literature in at least one individual affected with Hypophosphatasia (Michigami_2020). These data do not allow any conclusion about variant significance. To our knowledge, no experimental evidence demonstrating an impact on protein function has been reported. The following publications have been ascertained in the context of this evaluation (PMID: 38591765, 31707452). ClinVar contains an entry for this variant (Variation ID: 2798957). Based on the evidence outlined above, the variant was classified as uncertain significance.

Labcorp Genetics (formerly Invitae), Labcorp
Classification: Uncertain significance. Last evaluated: 2023-06-20. Review status: criteria provided, single submitter. Criteria: Invitae Variant Classification Sherloc (09022015). Collection method: clinical testing. Allele origin: germline.
Comment: This variant is not present in population databases (gnomAD no frequency). This sequence change replaces phenylalanine, which is neutral and non-polar, with leucine, which is neutral and non-polar, at codon 328 of the ALPL protein (p.Phe328Leu). This missense change has been observed in individual(s) with hypophosphatasia (PMID: 31707452). This variant is also known as TNSALP F311L. Advanced modeling of protein sequence and biophysical properties (such as structural, functional, and spatial information, amino acid conservation, physicochemical variation, residue mobility, and thermodynamic stability) performed at Invitae indicates that this missense variant is expected to disrupt ALPL protein function. Experimental studies have shown that this missense change affects ALPL function (PMID: 15660230). In summary, the available evidence is currently insufficient to determine the role of this variant in disease. Therefore, it has been classified as a Variant of Uncertain Significance.

Literature cited by the submitters: PubMed 31707452 (cited by Women's Health and Genetics/Laboratory Corporation of America, LabCorp and Labcorp Genetics (formerly Invitae), Labcorp); PubMed 38591765 (cited by Women's Health and Genetics/Laboratory Corporation of America, LabCorp); PubMed 15660230 (cited by Labcorp Genetics (formerly Invitae), Labcorp).

NM_000478.6(ALPL):c.984C>G (p.Phe328Leu)

Gene: ALPL (alkaline phosphatase, biomineralization associated; plus strand). Cytogenetic location: 1p36.12.
Variant type: single nucleotide variant.
Coding change: c.984C>G on transcript NM_000478.6 (MANE Select); coding-DNA position 984, C replaced by G.
Protein change: p.Phe328Leu; replaces phenylalanine 328 with leucine.
Molecular consequence: missense variant.
Genome position (GRCh38, 1-based): chr1:21,573,786, C>G. VCF-style: chr1-21573786-C-G. GRCh37 (hg19) VCF-style: chr1-21900279-C-G.
Other names: c.819C>G, p.Phe273Leu (NM_001127501.4); c.753C>G, p.Phe251Leu (NM_001177520.3); c.984C>G, p.Phe328Leu (NM_001369803.2, NM_001369804.2, NM_001369805.2); short protein forms F273L, F328L, F251L.
Identifiers: ClinVar variation 2798957 (VCV002798957.4), dbSNP rs1177827603, ClinGen allele CA338880420.